The following is an entry in ClinVar:

NM_182961.4(SYNE1):c.8400C>T (p.Leu2800=)

Gene: SYNE1 (spectrin repeat containing nuclear envelope protein 1; minus strand). Cytogenetic location: 6q25.2.
Variant type: single nucleotide variant.
Coding change: c.8400C>T on transcript NM_182961.4 (MANE Select); coding-DNA position 8400, C replaced by T.
Protein change: p.Leu2800=; no amino-acid change (leucine 2800 retained).
Molecular consequence: synonymous variant.
Genome position (GRCh38, 1-based): chr6:152,387,159, G>A on the plus strand (C>T on the coding strand, the complement: SYNE1 is on the minus strand). VCF-style: chr6-152387159-G-A. GRCh37 (hg19) VCF-style: chr6-152708294-G-A.
Other names: c.8421C>T, p.Leu2807= (NM_033071.5).
Identifiers: ClinVar variation 288848 (VCV000288848.56), dbSNP rs114747836, ClinGen allele CA4057556.
Genomic context (GRCh38, chr6:152,387,159, plus strand): 5'-CTGTGTTTTCAGCTCCTCTTGAGCTGTGTCCTTGAAAGACTCATCCTCTGTCTTTTCGTA[G>A]AGCTCCCTGGACTTCGCAATTAGACGGTGAAGGGCTCTCGTGTGATCTTCTGCCTCAGAC-3'
Protein context (NP_892006.3, residues 2790-2810): LHRLIAKSRE[Leu2800=]YEKTEDESFK

ClinVar aggregate classification (germline): Benign/Likely benign. Review status: criteria provided, multiple submitters, no conflicts (2 of 4 stars). 8 submissions from 7 submitters: Benign (3); Likely benign (5). Last evaluated 2026-01-27.

Conditions:
Emery-Dreifuss muscular dystrophy 4, autosomal dominant (EDMD4). Also called: EMERY-DREIFUSS MUSCULAR DYSTROPHY 4 WITH VARIABLE FEATURES. Identifiers: Orphanet 261, MedGen C2751807, MONDO:0013071, OMIM 612998.
Autosomal recessive ataxia, Beauce type. Also called: SYNE1 Deficiency; SYNE1-Related Autosomal Recessive Cerebellar Ataxia; ATAXIA, RECESSIVE, OF BEAUCE; Spinocerebellar ataxia, autosomal recessive 8. Identifiers: Orphanet 88644, MedGen C1853116, MONDO:0012549, OMIM 610743.

Allele frequency attached by ClinVar (database versions not stated): gnomAD exomes 0.00026 and 0.00063; ExAC 0.00077; 1000 Genomes Project 0.00200; 1000 Genomes Project 30x 0.00203; gnomAD 0.00244 and 0.00268; TOPMed 0.00269; ESP Exome Variant Server 0.00354.
gnomAD v4.1: 746 of 1,614,140 alleles (0.046%); highest among the groups gnomAD compares: African/African-American, 0.92%; 4 homozygotes.

Submissions (8):

Labcorp Genetics (formerly Invitae), Labcorp
Classification: Benign for Emery-Dreifuss muscular dystrophy 4, autosomal dominant; Autosomal recessive ataxia, Beauce type. Last evaluated: 2026-01-27. Review status: criteria provided, single submitter. Criteria: Invitae Variant Classification Sherloc (09022015). Collection method: clinical testing. Allele origin: germline.

Blueprint Genetics
Classification: Likely benign. Last evaluated: 2024-06-24. Review status: criteria provided, single submitter. Criteria: ACMG Guidelines, 2015. Collection method: clinical testing. Allele origin: germline.

CeGaT Center for Human Genetics Tuebingen
Classification: Likely benign. Last evaluated: 2021-08-01. Review status: criteria provided, single submitter. Criteria: CeGaT Center For Human Genetics Tuebingen Variant Classification Criteria Version 2. Collection method: clinical testing. Allele origin: germline. Affected: yes. Observed: 1 variant allele.

GeneDx
Classification: Likely benign. Last evaluated: 2018-12-20. Review status: criteria provided, single submitter. Criteria: GeneDx Variant Classification Process June 2021. Collection method: clinical testing. Allele origin: germline. Affected: yes.

Illumina Laboratory Services, Illumina
Classification: Likely benign for Autosomal recessive ataxia, Beauce type. Last evaluated: 2018-01-12. Review status: criteria provided, single submitter. Criteria: ICSL Variant Classification Criteria 13 December 2019. Collection method: clinical testing. Allele origin: germline.
Comment: This variant was observed in the ICSL laboratory as part of a predisposition screen in an ostensibly healthy population. It had not been previously curated by ICSL or reported in the Human Gene Mutation Database (HGMD: prior to June 1st, 2018), and was therefore a candidate for classification through an automated scoring system. Utilizing variant allele frequency, disease prevalence and penetrance estimates, and inheritance mode, an automated score was calculated to assess if this variant is too frequent to cause the disease. Based on the score and internal cut-off values, a variant classified as likely benign is not then subjected to further curation. The score for this variant resulted in a classification of likely benign for this disease.

Illumina Laboratory Services, Illumina
Classification: Benign for Emery-Dreifuss muscular dystrophy 4, autosomal dominant. Last evaluated: 2018-01-12. Review status: criteria provided, single submitter. Criteria: ICSL Variant Classification Criteria 13 December 2019. Collection method: clinical testing. Allele origin: germline.
Comment: This variant was observed in the ICSL laboratory as part of a predisposition screen in an ostensibly healthy population. It had not been previously curated by ICSL or reported in the Human Gene Mutation Database (HGMD: prior to June 1st, 2018), and was therefore a candidate for classification through an automated scoring system. Utilizing variant allele frequency, disease prevalence and penetrance estimates, and inheritance mode, an automated score was calculated to assess if this variant is too frequent to cause the disease. Based on the score and internal cut-off values, a variant classified as benign is not then subjected to further curation. The score for this variant resulted in a classification of benign for this disease.

Eurofins Ntd Llc (ga)
Classification: Benign. Last evaluated: 2016-06-19. Review status: criteria provided, single submitter. Criteria: EGL Classification Definitions 2015. Collection method: clinical testing. Allele origin: germline. Observed: 2 variant alleles, 2 heterozygotes.

Breakthrough Genomics
Classification: Likely benign. Review status: criteria provided, single submitter. Criteria: ACMG Guidelines, 2015. Collection method: not provided. Allele origin: germline. Inheritance: Autosomal recessive inheritance. Affected: yes.